The following is an entry in ClinVar:

ClinVar aggregate classification (germline): Uncertain significance (1 of 4 stars; one submission).

Conditions:
Hypohidrotic X-linked ectodermal dysplasia (XHED). Also called: ECTODERMAL DYSPLASIA, HYPOHIDROTIC, 1; CST SYNDROME; Ectodermal Dysplasia 1, Anhidrotic; ECTODERMAL DYSPLASIA 1, HYPOHIDROTIC/HAIR/TOOTH TYPE, X-LINKED; ECTODERMAL DYSPLASIA 1; ECTODERMAL DYSPLASIA 1, HYPOHIDROTIC, X-LINKED. Identifiers: Orphanet 181, Orphanet 238468, MedGen C0162359, MONDO:0010585, OMIM 305100.

Submission:

Labcorp Genetics (formerly Invitae), Labcorp
Classification: Uncertain significance for Hypohidrotic X-linked ectodermal dysplasia. Last evaluated: 2024-10-03. Review status: criteria provided, single submitter. Criteria: Invitae Variant Classification Sherloc (09022015). Collection method: clinical testing. Allele origin: germline.
Comment: This sequence change replaces arginine, which is basic and polar, with glycine, which is neutral and non-polar, at codon 289 of the EDA protein (p.Arg289Gly). This variant is not present in population databases (gnomAD no frequency). This variant has not been reported in the literature in individuals affected with EDA-related conditions. Invitae Evidence Modeling of protein sequence and biophysical properties (such as structural, functional, and spatial information, amino acid conservation, physicochemical variation, residue mobility, and thermodynamic stability) has been performed for this missense variant. However, the output from this modeling did not meet the statistical confidence thresholds required to predict the impact of this variant on EDA protein function. This variant disrupts the p.Arg289 amino acid residue in EDA. Other variant(s) that disrupt this residue have been determined to be pathogenic (PMID: 19278982, 26753551, 27144394; internal data). This suggests that this residue is clinically significant, and that variants that disrupt this residue are likely to be disease-causing. In summary, the available evidence is currently insufficient to determine the role of this variant in disease. Therefore, it has been classified as a Variant of Uncertain Significance.

Literature cited by the submitters: PubMed 19278982; PubMed 26753551; PubMed 27144394.

NM_001399.5(EDA):c.865C>G (p.Arg289Gly)

Gene: EDA (ectodysplasin A; plus strand). Cytogenetic location: Xq13.1.
Variant type: single nucleotide variant.
Coding change: c.865C>G on transcript NM_001399.5 (MANE Select); coding-DNA position 865, C replaced by G.
Protein change: p.Arg289Gly; replaces arginine 289 with glycine.
Molecular consequence: missense variant.
Genome position (GRCh38, 1-based): chrX:70,033,469, C>G. VCF-style: chrX-70033469-C-G. GRCh37 (hg19) VCF-style: chrX-69253319-C-G.
Other names: c.865C>G, p.Arg289Gly (NM_001005609.2); c.856C>G, p.Arg286Gly (NM_001005612.3); short protein forms R286G, R289G.
Identifiers: ClinVar variation 3668091 (VCV003668091.2).